The following is an entry in ClinVar:

ClinVar aggregate classification (germline): Uncertain significance (1 of 4 stars; one submission).

Conditions:
Hereditary cancer-predisposing syndrome. Also called: Neoplastic Syndromes, Hereditary; Hereditary Cancer Syndrome; Hereditary neoplastic syndrome; Tumor predisposition. Identifiers: Orphanet 140162, MedGen C0027672, MeSH D009386, MONDO:0015356.

Submission:

Ambry Genetics
Classification: Uncertain significance for Hereditary cancer-predisposing syndrome. Last evaluated: 2023-04-07. Review status: criteria provided, single submitter. Criteria: Ambry Variant Classification Scheme 2023. Collection method: clinical testing. Allele origin: germline.
Comment: The p.M228K variant (also known as c.683T>A), located in coding exon 8 of the RAD51D gene, results from a T to A substitution at nucleotide position 683. The methionine at codon 228 is replaced by lysine, an amino acid with similar properties. This amino acid position is conserved. In addition, this alteration is predicted to be deleterious by in silico analysis. Since supporting evidence is limited at this time, the clinical significance of this alteration remains unclear.

NM_002878.4(RAD51D):c.683T>A (p.Met228Lys)

Genes: RAD51L3-RFFL (RAD51L3-RFFL readthrough; minus strand), RAD51D (RAD51 paralog D; minus strand). Cytogenetic location: 17q12.
Variant type: single nucleotide variant.
Coding change: c.683T>A on transcript NM_002878.4 (MANE Select); coding-DNA position 683, T replaced by A.
Protein change: p.Met228Lys; replaces methionine 228 with lysine.
Molecular consequence: missense variant. On other transcripts: non-coding transcript variant (3).
Genome position (GRCh38, 1-based): chr17:35,103,309, A>T on the plus strand (T>A on the coding strand, the complement: RAD51D is on the minus strand). VCF-style: chr17-35103309-A-T. GRCh37 (hg19) VCF-style: chr17-33430328-A-T.
Other names: c.743T>A, p.Met248Lys (NM_001142571.2); c.347T>A, p.Met116Lys (NM_133629.3); short protein forms M116K, M248K, M228K.
Identifiers: ClinVar variation 2560406 (VCV002560406.2), dbSNP rs2142418676, ClinGen allele CA399087741.